The following is an entry in ClinVar:

ClinVar aggregate classification (germline): Likely benign. Review status: criteria provided, multiple submitters, no conflicts (2 of 4 stars). 3 submissions from 3 submitters: Likely benign (3). Last evaluated 2026-05-06.

Conditions:
AHDC1-related disorder. Also called: AHDC1-related condition.

Allele frequency attached by ClinVar (database versions not stated): TOPMed 0.00004; gnomAD 0.00005 and 0.00006; gnomAD exomes 0.00006; ExAC 0.00008; ESP Exome Variant Server 0.00015.
gnomAD v4.1: 89 of 1,561,296 alleles (0.0057%); highest among the groups gnomAD compares: Non-Finnish European, 0.0074%; no homozygotes.

Submissions (3):

PreventionGenetics, part of Exact Sciences
Classification: Likely benign for AHDC1-related condition. Last evaluated: 2026-05-06. Review status: criteria provided, single submitter. Criteria: ACMG Guidelines, 2015. Collection method: clinical testing. Allele origin: germline.
Comment: This variant is classified as likely benign based on ACMG/AMP sequence variant interpretation guidelines (Richards et al. 2015 PMID: 25741868, with internal and published modifications).

Labcorp Genetics (formerly Invitae), Labcorp
Classification: Likely benign. Last evaluated: 2025-01-17. Review status: criteria provided, single submitter. Criteria: Invitae Variant Classification Sherloc (09022015). Collection method: clinical testing. Allele origin: germline.

GeneDx
Classification: Likely benign. Last evaluated: 2021-05-22. Review status: criteria provided, single submitter. Criteria: GeneDx Variant Classification Process June 2021. Collection method: clinical testing. Allele origin: germline. Affected: yes.

NM_001371928.1(AHDC1):c.4218G>A (p.Leu1406=)

Gene: AHDC1 (AT-hook DNA binding motif containing 1; minus strand). Cytogenetic location: 1p36.11.
Variant type: single nucleotide variant.
Coding change: c.4218G>A on transcript NM_001371928.1 (MANE Select); coding-DNA position 4218, G replaced by A.
Protein change: p.Leu1406=; no amino-acid change (leucine 1406 retained).
Molecular consequence: synonymous variant.
Genome position (GRCh38, 1-based): chr1:27,547,898, C>T on the plus strand (G>A on the coding strand, the complement: AHDC1 is on the minus strand). VCF-style: chr1-27547898-C-T. GRCh37 (hg19) VCF-style: chr1-27874409-C-T.
Other names: c.4218G>A, p.Leu1406= (NM_001029882.3).
Identifiers: ClinVar variation 1194417 (VCV001194417.6), dbSNP rs146774132, ClinGen allele CA715408.